The following is an entry in ClinVar:

ClinVar aggregate classification (germline): Likely benign. Review status: criteria provided, multiple submitters, no conflicts (2 of 4 stars). 4 submissions from 4 submitters: Likely benign (4). Last evaluated 2026-01-27.

Conditions:
Cardiovascular phenotype. Identifiers: MedGen CN230736.

Allele frequency attached by ClinVar (database versions not stated): gnomAD exomes 0.00001; gnomAD 0.00001; TOPMed 0.00003; ExAC 0.00007.
gnomAD v4.1: 21 of 1,549,760 alleles (0.0014%); highest among the groups gnomAD compares: Non-Finnish European, 0.0017%; no homozygotes.

Submissions (4):

Labcorp Genetics (formerly Invitae), Labcorp
Classification: Likely benign. Last evaluated: 2026-01-27. Review status: criteria provided, single submitter. Criteria: Invitae Variant Classification Sherloc (09022015). Collection method: clinical testing. Allele origin: germline.

Mayo Clinic Laboratories, Mayo Clinic
Classification: Likely benign. Last evaluated: 2025-10-21. Review status: criteria provided, single submitter. Criteria: ACMG Guidelines, 2015. Collection method: clinical testing. Allele origin: germline. Observed: 1 variant allele.
Comment: BP4, BP7

Ambry Genetics
Classification: Likely benign for Cardiovascular phenotype. Last evaluated: 2021-01-27. Review status: criteria provided, single submitter. Criteria: Ambry Variant Classification Scheme 2023. Collection method: clinical testing. Allele origin: germline.

GeneDx
Classification: Likely benign. Last evaluated: 2020-03-19. Review status: criteria provided, single submitter. Criteria: GeneDx Variant Classification Process June 2021. Collection method: clinical testing. Allele origin: germline. Affected: yes.

NM_001367624.2(ZNF469):c.1797C>T (p.Asn599=)

Gene: ZNF469 (zinc finger protein 469; plus strand). Cytogenetic location: 16q24.2.
Variant type: single nucleotide variant.
Coding change: c.1797C>T on transcript NM_001367624.2 (MANE Select); coding-DNA position 1797, C replaced by T.
Protein change: p.Asn599=; no amino-acid change (asparagine 599 retained).
Molecular consequence: synonymous variant.
Genome position (GRCh38, 1-based): chr16:88,429,267, C>T. VCF-style: chr16-88429267-C-T. GRCh37 (hg19) VCF-style: chr16-88495675-C-T.
Other names: NM_001127464.1:c.1797C>T; p.Asn599=.
Identifiers: ClinVar variation 1208713 (VCV001208713.9), dbSNP rs780217260, ClinGen allele CA8224710.